The following is an entry in ClinVar:

ClinVar aggregate classification (germline): Uncertain significance (1 of 4 stars; one submission).

gnomAD v4.1: 1 of 1,596,414 alleles (0.000063%); highest among the groups gnomAD compares: Non-Finnish European, 0.000085%; no homozygotes.

Submission:

Labcorp Genetics (formerly Invitae), Labcorp
Classification: Uncertain significance. Last evaluated: 2023-11-21. Review status: criteria provided, single submitter. Criteria: Invitae Variant Classification Sherloc (09022015). Collection method: clinical testing. Allele origin: germline.
Comment: This sequence change replaces alanine, which is neutral and non-polar, with aspartic acid, which is acidic and polar, at codon 408 of the ITGAM protein (p.Ala408Asp). This variant is not present in population databases (gnomAD no frequency). This variant has not been reported in the literature in individuals affected with ITGAM-related conditions. An algorithm developed to predict the effect of missense changes on protein structure and function (PolyPhen-2) suggests that this variant is likely to be tolerated. In summary, the available evidence is currently insufficient to determine the role of this variant in disease. Therefore, it has been classified as a Variant of Uncertain Significance.

NM_000632.4(ITGAM):c.1223C>A (p.Ala408Asp)

Gene: ITGAM (integrin subunit alpha M; plus strand). Cytogenetic location: 16p11.2.
Variant type: single nucleotide variant.
Coding change: c.1223C>A on transcript NM_000632.4 (MANE Select); coding-DNA position 1223, C replaced by A.
Protein change: p.Ala408Asp; replaces alanine 408 with aspartic acid.
Molecular consequence: missense variant.
Genome position (GRCh38, 1-based): chr16:31,277,976, C>A. VCF-style: chr16-31277976-C-A. GRCh37 (hg19) VCF-style: chr16-31289297-C-A.
Other names: c.1223C>A, p.Ala408Asp (NM_001145808.2); short protein forms A408D.
Identifiers: ClinVar variation 2698029 (VCV002698029.3), dbSNP rs1307099218, ClinGen allele CA395701742.